The following is an entry in ClinVar:

ClinVar aggregate classification (germline): Uncertain significance (1 of 4 stars; one submission).

gnomAD v4.1: 1 of 1,611,918 alleles (0.000062%); highest among the groups gnomAD compares: Non-Finnish European, 0.000085%; no homozygotes.

Submission:

GeneDx
Classification: Uncertain significance. Last evaluated: 2025-05-07. Review status: criteria provided, single submitter. Criteria: GeneDx Variant Classification Process June 2021. Collection method: clinical testing. Allele origin: germline.
Comment: Not observed at significant frequency in large population cohorts (gnomAD); In silico analysis supports that this missense variant has a deleterious effect on protein structure/function; Has not been previously published as pathogenic or benign to our knowledge; In silico analysis is inconclusive as to whether the variant alters gene splicing. In the absence of RNA/functional studies, the actual effect of this sequence change is unknown.

NM_001385012.1(NBEA):c.587A>G (p.Lys196Arg)

Gene: NBEA (neurobeachin; plus strand). Cytogenetic location: 13q13.3.
Variant type: single nucleotide variant.
Coding change: c.587A>G on transcript NM_001385012.1 (MANE Select); coding-DNA position 587, A replaced by G.
Protein change: p.Lys196Arg; replaces lysine 196 with arginine.
Molecular consequence: missense variant.
Genome position (GRCh38, 1-based): chr13:35,045,007, A>G. VCF-style: chr13-35045007-A-G. GRCh37 (hg19) VCF-style: chr13-35619144-A-G.
Other names: c.587A>G, p.Lys196Arg (NM_001379245.1, NM_015678.5); short protein forms K196R.
Identifiers: ClinVar variation 3360401 (VCV003360401.2).